The following is an entry in ClinVar:

ClinVar aggregate classification (germline): Uncertain significance (1 of 4 stars; one submission).

Conditions:
Sulfite oxidase deficiency due to molybdenum cofactor deficiency type C. Also called: Molybdenum cofactor deficiency, complementation group C; Molybdenum cofactor deficiency C. Identifiers: Orphanet 308400, Orphanet 833, MedGen C1854990, MONDO:0014212, OMIM 615501.

Submission:

Juno Genomics, Hangzhou Juno Genomics, Inc
Classification: Uncertain significance for Sulfite oxidase deficiency due to molybdenum cofactor deficiency type C. Review status: criteria provided, single submitter. Criteria: ACMG Guidelines, 2015. Collection method: clinical testing. Allele origin: germline.
Comment: Absent from controls (or at extremely low frequency if recessive) in Genome Aggregation Database.;Multiple lines of computational evidence support a deleterious effect on the gene or gene product.

NM_020806.5(GPHN):c.1202T>C (p.Phe401Ser)

Gene: GPHN (gephyrin; plus strand). Cytogenetic location: 14q23.3.
Variant type: single nucleotide variant.
Coding change: c.1202T>C on transcript NM_020806.5 (MANE Select); coding-DNA position 1202, T replaced by C.
Protein change: p.Phe401Ser; replaces phenylalanine 401 with serine.
Molecular consequence: missense variant.
Genome position (GRCh38, 1-based): chr14:67,089,040, T>C. VCF-style: chr14-67089040-T-C. GRCh37 (hg19) VCF-style: chr14-67555757-T-C.
Other names: c.1103T>C, p.Phe368Ser (NM_001024218.2); c.1262T>C, p.Phe421Ser (NM_001377514.1); c.1232T>C, p.Phe411Ser (NM_001377515.1); c.1223T>C, p.Phe408Ser (NM_001377516.1); c.1175T>C, p.Phe392Ser (NM_001377517.1); c.1160T>C, p.Phe387Ser (NM_001377518.1); c.1142T>C, p.Phe381Ser (NM_001377519.1); short protein forms F368S, F401S, F381S, F392S, F411S, F421S, F387S, F408S.
Identifiers: ClinVar variation 5005339 (VCV005005339.2).
Genomic context (GRCh38, chr14:67,089,040, plus strand): 5'-CAGATGGAATGGGGCGAGTCCTTGCTCAAGATGTATATGCAAAAGACAATTTACCCCCCT[T>C]CCCAGCATCAGTAAAAGATGGCTATGCTGTCCGAGGTAAATATTTTGGTTTTCTTAAACA-3'
Protein context (NP_065857.1, residues 391-411): DVYAKDNLPP[Phe401Ser]PASVKDGYAV